The following is an entry in ClinVar:

NM_024747.6(HPS6):c.1387C>T (p.Arg463Ter)

Gene: HPS6 (HPS6 biogenesis of lysosomal organelles complex 2 subunit 3; plus strand). Cytogenetic location: 10q24.32.
Variant type: single nucleotide variant.
Coding change: c.1387C>T on transcript NM_024747.6 (MANE Select); coding-DNA position 1387, C replaced by T.
Protein change: p.Arg463Ter; replaces arginine 463 with a stop codon.
Molecular consequence: nonsense.
Genome position (GRCh38, 1-based): chr10:102,066,861, C>T. VCF-style: chr10-102066861-C-T. GRCh37 (hg19) VCF-style: chr10-103826618-C-T.
Other names: p.Arg463*; short protein forms R463*.
Identifiers: ClinVar variation 2152093 (VCV002152093.8), dbSNP rs199891110, ClinGen allele CA377867037.

ClinVar aggregate classification (germline): Pathogenic/Likely pathogenic. Review status: criteria provided, multiple submitters, no conflicts (2 of 4 stars). 4 submissions from 4 submitters: Pathogenic (1); Likely pathogenic (3). Last evaluated 2025-07-31.

Conditions:
Hermansky-Pudlak syndrome (HPS). Also called: ALBINISM WITH HEMORRHAGIC DIATHESIS AND PIGMENTED RETICULOENDOTHELIAL CELLS. Identifiers: Orphanet 79430, MedGen C0079504, MONDO:0019312.
Hermansky-Pudlak syndrome 6 (HPS6). Identifiers: Orphanet 231512, Orphanet 79430, MedGen C3888007, MONDO:0013558, OMIM 614075.

Submissions (4):

Mayo Clinic Laboratories, Mayo Clinic
Classification: Likely pathogenic. Last evaluated: 2025-07-31. Review status: criteria provided, single submitter. Criteria: ACMG Guidelines, 2015. Collection method: clinical testing. Allele origin: germline. Observed: 1 variant allele.
Comment: PP4, PM2_supporting, PVS1_strong

Labcorp Genetics (formerly Invitae), Labcorp
Classification: Pathogenic. Last evaluated: 2024-11-03. Review status: criteria provided, single submitter. Criteria: Invitae Variant Classification Sherloc (09022015). Collection method: clinical testing. Allele origin: germline.
Comment: This sequence change creates a premature translational stop signal (p.Arg463*) in the HPS6 gene. While this is not anticipated to result in nonsense mediated decay, it is expected to disrupt the last 313 amino acid(s) of the HPS6 protein. This variant is present in population databases (no rsID available, gnomAD 0.0009%). This premature translational stop signal has been observed in individual(s) with albinism (PMID: 29345414). ClinVar contains an entry for this variant (Variation ID: 2152093). This variant disrupts a region of the HPS6 protein in which other variant(s) (p.Gln680*) have been determined to be pathogenic (PMID: 27225848). This suggests that this is a clinically significant region of the protein, and that variants that disrupt it are likely to be disease-causing. For these reasons, this variant has been classified as Pathogenic.

Women's Health and Genetics/Laboratory Corporation of America, LabCorp
Classification: Likely pathogenic for Hermansky-Pudlak syndrome. Last evaluated: 2023-02-13. Review status: criteria provided, single submitter. Criteria: LabCorp Variant Classification Summary - May 2015. Collection method: clinical testing. Allele origin: germline.
Comment: Variant summary: HPS6 c.1387C>T (p.Arg463X) results in a premature termination codon, predicted to cause a truncation of the encoded protein or absence of the protein due to nonsense mediated decay, which are commonly known mechanisms for disease. The variant allele was found at a frequency of 4e-06 in 251422 control chromosomes (gnomAD). c.1387C>T has been reported in the literature in the compound heterozygous state in one individual affected with Hermansky-Pudlak Syndrome (Lasseaux_2018). To our knowledge, no experimental evidence demonstrating an impact on protein function has been reported. One clinical diagnostic laboratory has submitted a clinical-significance assessment for this variant to ClinVar after 2014 and classified the variant as pathogenic. Based on the evidence outlined above, the variant was classified as likely pathogenic.

Juno Genomics, Hangzhou Juno Genomics, Inc
Classification: Likely pathogenic for Hermansky-Pudlak syndrome 6. Review status: criteria provided, single submitter. Criteria: ACMG Guidelines, 2015. Collection method: clinical testing. Allele origin: germline. Affected: yes.
Comment: Absent from controls (or at extremely low frequency if recessive) in Genome Aggregation Database, Exome Sequencing Project, 1000 Genomes Project, or Exome Aggregation Consortium.;Null variant in a gene where loss of function (LOF) is a known mechanism of disease.;For recessive disorders, detected in trans with a pathogenic variant.;Patient's phenotype or family history is highly specific for a disease with a single genetic etiology.

Literature cited by the submitters: PubMed 29345414 (cited by 3 submitters); PubMed 37647632 (cited by Mayo Clinic Laboratories, Mayo Clinic); PubMed 27225848 (cited by Labcorp Genetics (formerly Invitae), Labcorp).